The following is an entry in ClinVar:

NM_015270.5(ADCY6):c.636C>T (p.Ser212=)

Gene: ADCY6 (adenylate cyclase 6; minus strand). Cytogenetic location: 12q13.12.
Variant type: single nucleotide variant.
Coding change: c.636C>T on transcript NM_015270.5 (MANE Select); coding-DNA position 636, C replaced by T.
Protein change: p.Ser212=; no amino-acid change (serine 212 retained).
Molecular consequence: synonymous variant. On other transcripts: non-coding transcript variant (1).
Genome position (GRCh38, 1-based): chr12:48,782,799, G>A on the plus strand (C>T on the coding strand, the complement: ADCY6 is on the minus strand). VCF-style: chr12-48782799-G-A. GRCh37 (hg19) VCF-style: chr12-49176582-G-A.
Other names: c.636C>T, p.Ser212= (NM_001390830.1, NM_001390831.2, NM_001412819.1 and 3 more transcripts); c.636C>T (NM_015270.4).
Identifiers: ClinVar variation 1273070 (VCV001273070.4), dbSNP rs3730064, ClinGen allele CA6541539.

ClinVar aggregate classification (germline): Benign. Review status: criteria provided, multiple submitters, no conflicts (2 of 4 stars). 3 submissions from 3 submitters: Benign (2). 1 of the submissions does not count toward it. Last evaluated 2021-05-04.

Conditions:
ADCY6-related disorder. Also called: ADCY6-related condition.

Allele frequency attached by ClinVar (database versions not stated): 1000 Genomes Project 0.02496; 1000 Genomes Project 30x 0.02623; TOPMed 0.04956; gnomAD 0.05032 and 0.05184; gnomAD exomes 0.05152 and 0.06910; ExAC 0.05351; ESP Exome Variant Server 0.05759.
gnomAD v4.1: 108,294 of 1,613,820 alleles (6.7%); highest among the groups gnomAD compares: Non-Finnish European, 7.9%; 4,199 homozygotes.

Submissions (3):

GeneDx
Classification: Benign. Last evaluated: 2021-05-04. Review status: criteria provided, single submitter. Criteria: GeneDx Variant Classification Process June 2021. Collection method: clinical testing. Allele origin: germline. Affected: yes.

Breakthrough Genomics
Classification: Benign. Review status: criteria provided, single submitter. Criteria: ACMG Guidelines, 2015. Collection method: not provided. Allele origin: germline. Inheritance: Autosomal recessive inheritance. Affected: yes.

PreventionGenetics, part of Exact Sciences
Classification: Benign for ADCY6-related condition. Last evaluated: 2019-05-22. Review status: no assertion criteria provided. Collection method: clinical testing. Allele origin: germline. Not counted in ClinVar's aggregate classification.
Comment: This variant is classified as benign based on ACMG/AMP sequence variant interpretation guidelines (Richards et al. 2015 PMID: 25741868, with internal and published modifications).